The following is an entry in ClinVar:

ClinVar aggregate classification (germline): Uncertain significance. Review status: criteria provided, multiple submitters, no conflicts (2 of 4 stars). 2 submissions from 2 submitters: Uncertain significance (2). Last evaluated 2025-12-19.

Conditions:
Inborn genetic diseases. Identifiers: MedGen C0950123, MeSH D030342.
Mowat-Wilson syndrome (MOWS). Also called: Classic Mowat-Wilson Syndrome. Identifiers: Orphanet 2152, MedGen C1856113, MONDO:0009341, OMIM 235730.

Allele frequency attached by ClinVar (database versions not stated): gnomAD exomes below 0.00001.
gnomAD v4.1: 2 of 1,613,880 alleles (0.00012%); highest among the groups gnomAD compares: Non-Finnish European, 0.00017%; no homozygotes.

Submissions (2):

Ambry Genetics
Classification: Uncertain significance for Inborn genetic diseases. Last evaluated: 2025-12-19. Review status: criteria provided, single submitter. Criteria: Ambry Variant Classification Scheme 2023. Collection method: clinical testing. Allele origin: germline.

Labcorp Genetics (formerly Invitae), Labcorp
Classification: Uncertain significance for Mowat-Wilson syndrome. Last evaluated: 2023-12-01. Review status: criteria provided, single submitter. Criteria: Invitae Variant Classification Sherloc (09022015). Collection method: clinical testing. Allele origin: germline.
Comment: This sequence change replaces isoleucine, which is neutral and non-polar, with phenylalanine, which is neutral and non-polar, at codon 52 of the ZEB2 protein (p.Ile52Phe). This variant is not present in population databases (gnomAD no frequency). This variant has not been reported in the literature in individuals affected with ZEB2-related conditions. Advanced modeling of protein sequence and biophysical properties (such as structural, functional, and spatial information, amino acid conservation, physicochemical variation, residue mobility, and thermodynamic stability) performed at Invitae indicates that this missense variant is not expected to disrupt ZEB2 protein function with a negative predictive value of 80%. In summary, the available evidence is currently insufficient to determine the role of this variant in disease. Therefore, it has been classified as a Variant of Uncertain Significance.

NM_014795.4(ZEB2):c.154A>T (p.Ile52Phe)

Gene: ZEB2 (zinc finger E-box binding homeobox 2; minus strand). Cytogenetic location: 2q22.3.
Variant type: single nucleotide variant.
Coding change: c.154A>T on transcript NM_014795.4 (MANE Select); coding-DNA position 154, A replaced by T.
Protein change: p.Ile52Phe; replaces isoleucine 52 with phenylalanine.
Molecular consequence: missense variant.
Genome position (GRCh38, 1-based): chr2:144,429,946, T>A on the plus strand (A>T on the coding strand, the complement: ZEB2 is on the minus strand). VCF-style: chr2-144429946-T-A. GRCh37 (hg19) VCF-style: chr2-145187513-T-A.
Other names: c.154A>T, p.Ile52Phe (NM_001171653.2); c.154A>T (NM_014795.3); short protein forms I52F.
Identifiers: ClinVar variation 3022758 (VCV003022758.4), dbSNP rs2549120705, ClinGen allele CA348718947.
Genomic context (GRCh38, chr2:144,429,946, plus strand): 5'-GGGAGGACTCATGGTTGGGCACACTAGCTGGACTCGTCTCCTGGTCCAGAGGGTTGGCAA[T>A]ACCGTCATCCTCAGCAATATGAAGCTTGTCTTCCTCATCTGTTTCAGAACCTGTGTCCAC-3'
Protein context (NP_055610.1, residues 42-62): DKLHIAEDDG[Ile52Phe]ANPLDQETSP